The following is an entry in ClinVar:

ClinVar aggregate classification (germline): Likely benign (1 of 4 stars; one submission).

Conditions:
Familial thoracic aortic aneurysm and aortic dissection (TAAD). Also called: Thoracic aortic aneurysms and dissections. Identifiers: Orphanet 91387, MedGen C4707243, MONDO:0019625.

Submission:

All of Us Research Program, National Institutes of Health
Classification: Likely benign for Familial thoracic aortic aneurysm and aortic dissection. Last evaluated: 2024-04-16. Review status: criteria provided, single submitter. Criteria: ACMG Guidelines, 2015. Collection method: clinical testing. Allele origin: germline. Inheritance: Autosomal dominant inheritance. Observed: 1 variant allele, 1 heterozygote.
Comment: This study involves interpretation of variants in research participants for the purpose of population health screening. Participant phenotype was not available at the time of variant classification. Additional details can be found in publication PMID: 35346344, PMCID: PMC8962531

NM_002474.3(MYH11):c.4117-5dup

Genes: NDE1 (nudE neurodevelopment protein 1; plus strand), MYH11 (myosin heavy chain 11; minus strand). Cytogenetic location: 16p13.11.
Variant type: Duplication.
Coding change: c.4117-5dup on transcript NM_002474.3 (MANE Select); 5 bases into the intron before coding-DNA position 4117, one base duplicated (T; older notation c.4117-5dupT).
Molecular consequence: intron variant. On other transcripts: 3 prime UTR variant (2).
Genome position (GRCh38, 1-based): chr16:15,724,414, A duplicated on the plus strand (T on the coding strand, the reverse complement: MYH11 is on the minus strand); the first of 2 consecutive A bases (chr16:15,724,414-15,724,415); duplicating either gives the same sequence. VCF-style (leftmost placement, unchanged base first): chr16-15724413-C-CA. GRCh37 (hg19) VCF-style: chr16-15818270-C-CA.
Other names: c.*164dup (NM_001143979.2, NM_017668.3); c.4117-5dup (NM_022844.3); c.4138-5dup (NM_001040114.2, NM_001040113.2).
Identifiers: ClinVar variation 3387186 (VCV003387186.1).